The following is an entry in ClinVar:

ClinVar aggregate classification (germline): Uncertain significance (1 of 4 stars; one submission).

Submission:

Labcorp Genetics (formerly Invitae), Labcorp
Classification: Uncertain significance. Last evaluated: 2025-08-18. Review status: criteria provided, single submitter. Criteria: Invitae Variant Classification Sherloc (09022015). Collection method: clinical testing. Allele origin: germline.
Comment: This sequence change replaces glutamic acid, which is acidic and polar, with aspartic acid, which is acidic and polar, at codon 164 of the MYLIP protein (p.Glu164Asp). This variant is not present in population databases (gnomAD no frequency). This variant has not been reported in the literature in individuals affected with MYLIP-related conditions. An algorithm developed to predict the effect of missense changes on protein structure and function (PolyPhen-2) suggests that this variant is likely to be tolerated. In summary, the available evidence is currently insufficient to determine the role of this variant in disease. Therefore, it has been classified as a Variant of Uncertain Significance.

NM_013262.4(MYLIP):c.492G>C (p.Glu164Asp)

Gene: MYLIP (myosin regulatory light chain interacting protein; plus strand). Cytogenetic location: 6p22.3.
Variant type: single nucleotide variant.
Coding change: c.492G>C on transcript NM_013262.4 (MANE Select); coding-DNA position 492, G replaced by C.
Protein change: p.Glu164Asp; replaces glutamic acid 164 with aspartic acid.
Molecular consequence: missense variant.
Genome position (GRCh38, 1-based): chr6:16,143,047, G>C. VCF-style: chr6-16143047-G-C. GRCh37 (hg19) VCF-style: chr6-16143278-G-C.
Other names: c.492G>C, p.Glu164Asp (NM_001436627.1); short protein forms E164D.
Identifiers: ClinVar variation 4725598 (VCV004725598.1).
Genomic context (GRCh38, chr6:16,143,047, plus strand): 5'-TACTTAATTCTCTGTCCTCTTGGTGTCCTCCAGCATTGTTGCAAAACATAAGGAGTTGGA[G>C]GGGACCAGCCAGGCTTCAGCTGAATACCAAGTTTTGCAGATTGTGTCGGCAATGGAAAAC-3'
Protein context (NP_037394.2, residues 154-174): NSIVAKHKEL[Glu164Asp]GTSQASAEYQ